The following is an entry in ClinVar:

ClinVar aggregate classification (germline): Pathogenic (1 of 4 stars; one submission).

Submission:

Labcorp Genetics (formerly Invitae), Labcorp
Classification: Pathogenic. Last evaluated: 2021-04-05. Review status: criteria provided, single submitter. Criteria: Invitae Variant Classification Sherloc (09022015). Collection method: clinical testing. Allele origin: germline.
Comment: This variant is not present in population databases (ExAC no frequency). This sequence change creates a premature translational stop signal (p.Ser4Ilefs*52) in the MNX1 gene. It is expected to result in an absent or disrupted protein product. Loss-of-function variants in MNX1 are known to be pathogenic (PMID: 10631160, 10749657, 16254195, 24095820). This variant has been observed in individual(s) with Currarino syndrome (PMID: 24095820). In at least one individual the variant was observed to be de novo. For these reasons, this variant has been classified as Pathogenic.

Literature cited by the submitters: PubMed 10631160; PubMed 10749657; PubMed 16254195; PubMed 24095820.

NM_005515.4(MNX1):c.9dup (p.Ser4fs)

Gene: MNX1 (motor neuron and pancreas homeobox 1; minus strand). Cytogenetic location: 7q36.3.
Variant type: Duplication.
Coding change: c.9dup on transcript NM_005515.4 (MANE Select); coding-DNA position 9, one base duplicated (A; older notation c.9dupA).
Protein change: p.Ser4fs; shifts the reading frame from serine 4.
Molecular consequence: frameshift variant.
Genome position (GRCh38, 1-based): chr7:157,010,342, T duplicated on the plus strand (A on the coding strand, the reverse complement: MNX1 is on the minus strand); the first of 5 consecutive T bases (chr7:157,010,342-157,010,346); duplicating any one gives the same sequence. VCF-style (leftmost placement, unchanged base first): chr7-157010341-A-AT. GRCh37 (hg19) VCF-style: chr7-156803035-A-AT.
Other names: short protein forms S4fs.
Identifiers: ClinVar variation 1458729 (VCV001458729.8), dbSNP rs2134847685, ClinGen allele CA2573141902.
Genomic context (GRCh38, chr7:157,010,341, plus strand): 5'-GCGCAGAGGCGGCTCGTGGGGGGTCCACCGCCAGCAGGGCGTCGATGCGGAAATTTTTGG[A>AT]TTTTTCCATCGGCTCGTTTGGGGCTGGCGCTCAGGGCCCGGTGGCGGGCGACGCGGCCGT-3'